The following is an entry in ClinVar:

NM_000257.4(MYH7):c.2166T>C (p.Tyr722=)

Gene: MYH7 (myosin heavy chain 7; minus strand). Cytogenetic location: 14q11.2.
Variant type: single nucleotide variant.
Coding change: c.2166T>C on transcript NM_000257.4 (MANE Select); coding-DNA position 2166, T replaced by C.
Protein change: p.Tyr722=; no amino-acid change (tyrosine 722 retained).
Molecular consequence: synonymous variant.
Genome position (GRCh38, 1-based): chr14:23,425,815, A>G on the plus strand (T>C on the coding strand, the complement: MYH7 is on the minus strand). VCF-style: chr14-23425815-A-G. GRCh37 (hg19) VCF-style: chr14-23895024-A-G.
Identifiers: ClinVar variation 1111128 (VCV001111128.12), dbSNP rs1446807021, ClinGen allele CA485767041.

ClinVar aggregate classification (germline): Conflicting classifications of pathogenicity. Review status: criteria provided, conflicting classifications (1 of 4 stars). 3 submissions from 3 submitters: Uncertain significance (1); Likely benign (2). Last evaluated 2023-12-09.

Conditions:
Cardiovascular phenotype. Identifiers: MedGen CN230736.
Cardiomyopathy (CMYO). Also called: Cardiomyopathies. Identifiers: Orphanet 167848, MedGen C0878544, MONDO:0004994, HP:0001638. Inheritance: Various modes of inheritance.
Hypertrophic cardiomyopathy. Also called: HYPERTROPHIC MYOCARDIOPATHY. Identifiers: Orphanet 217569, MedGen C0007194, MeSH D002312, MONDO:0005045, HP:0001639.

Allele frequency attached by ClinVar (database versions not stated): gnomAD exomes below 0.00001; TOPMed 0.00001; gnomAD 0.00002.
gnomAD v4.1: 5 of 1,613,804 alleles (0.00031%); highest among the groups gnomAD compares: Non-Finnish European, 0.00042%; no homozygotes.

Submissions (3):

Labcorp Genetics (formerly Invitae), Labcorp
Classification: Likely benign for Hypertrophic cardiomyopathy. Last evaluated: 2023-12-09. Review status: criteria provided, single submitter. Criteria: Invitae Variant Classification Sherloc (09022015). Collection method: clinical testing. Allele origin: germline.

All of Us Research Program, National Institutes of Health
Classification: Uncertain significance for Cardiomyopathy. Last evaluated: 2023-12-01. Review status: criteria provided, single submitter. Criteria: ACMG Guidelines, 2015. Collection method: clinical testing. Allele origin: germline. Inheritance: Autosomal dominant inheritance. Observed: 2 variant alleles, 2 heterozygotes.
Comment: This variant is located in the MYH7 protein. To our knowledge, functional studies have not been reported for this variant. This variant has not been reported in individuals affected with MYH7-related disorders in the literature. This variant has not been identified in the general population by the Genome Aggregation Database (gnomAD). The available evidence is insufficient to determine the role of this variant in disease conclusively. Therefore, this variant is classified as a Variant of Uncertain Significance.

This study involves interpretation of variants in research participants for the purpose of population health screening. Participant phenotype was not available at the time of variant classification. Additional details can be found in publication PMID: 35346344, PMCID: PMC8962531

Ambry Genetics
Classification: Likely benign for Cardiovascular phenotype. Last evaluated: 2018-12-13. Review status: criteria provided, single submitter. Criteria: Ambry Variant Classification Scheme 2023. Collection method: clinical testing. Allele origin: germline.